The following is an entry in ClinVar:

NM_005101.4(ISG15):c.-108_-107insA

Gene: ISG15 (ISG15 ubiquitin like modifier; plus strand). Cytogenetic location: 1p36.33.
Variant type: Duplication.
Coding change: c.-108_-107insA on transcript NM_005101.4 (MANE Select); 108 bases upstream of the start codon through 107 bases upstream of the start codon, A inserted.
Genome position: GRCh38 VCF-style: chr1-1013466-T-TA. GRCh37 (hg19) VCF-style: chr1-948846-T-TA.
Identifiers: ClinVar variation 1185392 (VCV001185392.4), dbSNP rs3841266, ClinGen allele CA16724523.

ClinVar aggregate classification (germline): Benign. Review status: criteria provided, multiple submitters, no conflicts (2 of 4 stars). 2 submissions from 2 submitters: Benign (2). Last evaluated 2023-11-14.

Conditions:
Mendelian susceptibility to mycobacterial diseases due to complete ISG15 deficiency. Also called: IMMUNODEFICIENCY 38, MYCOBACTERIOSIS, AUTOSOMAL RECESSIVE; ISG15 DEFICIENCY, AUTOSOMAL RECESSIVE; Immunodeficiency 38 with basal ganglia calcification; Immunodeficiency 38. Identifiers: Orphanet 319563, MedGen C4015293, MONDO:0014502, OMIM 616126.

Allele frequency attached by ClinVar (database versions not stated): TOPMed 0.84502; 1000 Genomes Project 30x 0.84947; gnomAD 0.85419 and 0.86238; 1000 Genomes Project 0.85443; gnomAD exomes 0.96008.

Submissions (2):

Unidad de Genómica Garrahan, Hospital de Pediatría Garrahan
Classification: Benign. Last evaluated: 2023-11-14. Review status: criteria provided, single submitter. Criteria: ACMG Guidelines, 2015. Collection method: clinical testing. Allele origin: germline. Affected: no. Observed: 80 variant alleles.
Comment: This variant is classified as Benign based on local population frequency. This variant was detected in 83% of patients studied by a panel of primary immunodeficiencies. Number of patients: 80. Only high quality variants are reported.

Genome-Nilou Lab
Classification: Benign for Mendelian susceptibility to mycobacterial diseases due to complete ISG15 deficiency. Last evaluated: 2021-07-14. Review status: criteria provided, single submitter. Criteria: ACMG Guidelines, 2015. Collection method: clinical testing. Allele origin: germline. Affected: no.